The following is an entry in ClinVar:

ClinVar aggregate classification (germline): Likely pathogenic (1 of 4 stars; one submission).

Conditions:
Osteoporosis, childhood- or juvenile-onset, with developmental delay. Identifiers: MedGen C5676992, MONDO:0859253, OMIM 619884.

Submission:

University of Washington Department of Laboratory Medicine, University of Washington
Classification: Likely pathogenic for Osteoporosis, childhood- or juvenile-onset, with developmental delay. Last evaluated: 2023-01-31. Review status: criteria provided, single submitter. Criteria: ACMG Guidelines, 2015. Collection method: clinical testing. Allele origin: unknown. Affected: yes.
Comment: The p.Glu493Alafs*12 variant in the COPB2 gene has not been previously reported in association with disease and was absent from large population databases, including the Genome Aggregation Database. This variant results in a 3bp deletion and 7bp insertion in exon 13 of 22 exons, which causes a shift in the protein reading frame, leading to a premature termination codon 12 amino acids downstream. Nonsense-mediated decay resulting in a truncated or absent protein is predicted with this variant. These predictions have not been tested directly. Heterozygous loss of function leading to haploinsufficiency of the COPB2 gene has been an established as the mechanism of disease (Marom 2021). Using ACMG guidelines, this variant was classified as likely pathogenic for autosomal dominant COPB2-related disorder (ACMG evidence codes used: PVS1, PM2_supporting).

NM_004766.3(COPB2):c.1478_1480delinsCCCTTCT (p.Glu493fs)

Gene: COPB2 (COPI coat complex subunit beta 2; minus strand). Cytogenetic location: 3q23.
Variant type: Indel.
Coding change: c.1478_1480delinsCCCTTCT on transcript NM_004766.3 (MANE Select); coding-DNA positions 1478 to 1480, AAA replaced by CCCTTCT.
Protein change: p.Glu493fs; shifts the reading frame from glutamic acid 493.
Molecular consequence: frameshift variant. On other transcripts: non-coding transcript variant (1).
Genome position (GRCh38, 1-based): chr3:139,368,210-139,368,212, TTT replaced by AGAAGGG on the plus strand (AAA replaced by CCCTTCT on the coding strand, the reverse complement: COPB2 is on the minus strand). VCF-style: chr3-139368210-TTT-AGAAGGG. GRCh37 (hg19) VCF-style: chr3-139087052-TTT-AGAAGGG.
Other names: c.1391_1393delinsCCCTTCT, p.Glu464fs (NM_001410834.1); c.1478_1480delinsCCCTTCT (NM_004766.2); short protein forms E464fs, E493fs.
Identifiers: ClinVar variation 3777199 (VCV003777199.1).